The following is an entry in ClinVar:

ClinVar aggregate classification (germline): Uncertain significance (1 of 4 stars; one submission).

Conditions:
Familial adenomatous polyposis 1 (FAP1). Also called: POLYPOSIS, ADENOMATOUS INTESTINAL; FAMILIAL ADENOMATOUS POLYPOSIS 1, ATTENUATED. Identifiers: MedGen C2713442, MONDO:0021056, OMIM 175100. Disease mechanism: loss of function.

Submission:

Labcorp Genetics (formerly Invitae), Labcorp
Classification: Uncertain significance for Familial adenomatous polyposis 1. Last evaluated: 2021-10-07. Review status: criteria provided, single submitter. Criteria: Invitae Variant Classification Sherloc (09022015). Collection method: clinical testing. Allele origin: germline.
Comment: In summary, the available evidence is currently insufficient to determine the role of this variant in disease. Therefore, it has been classified as a Variant of Uncertain Significance. Algorithms developed to predict the effect of missense changes on protein structure and function are either unavailable or do not agree on the potential impact of this missense change (SIFT: "Deleterious"; PolyPhen-2: "Possibly Damaging"; Align-GVGD: "Class C0"). This variant has not been reported in the literature in individuals affected with APC-related conditions. This variant is not present in population databases (ExAC no frequency). This sequence change replaces glutamine with proline at codon 1625 of the APC protein (p.Gln1625Pro). The glutamine residue is highly conserved and there is a moderate physicochemical difference between glutamine and proline.

NM_000038.6(APC):c.4874A>C (p.Gln1625Pro)

Gene: APC (APC regulator of Wnt signaling pathway; plus strand). Cytogenetic location: 5q22.2.
Variant type: single nucleotide variant.
Coding change: c.4874A>C on transcript NM_000038.6 (MANE Select); coding-DNA position 4874, A replaced by C.
Protein change: p.Gln1625Pro; replaces glutamine 1625 with proline.
Molecular consequence: missense variant.
Genome position (GRCh38, 1-based): chr5:112,840,468, A>C. VCF-style: chr5-112840468-A-C. GRCh37 (hg19) VCF-style: chr5-112176165-A-C.
Other names: c.4874A>C, p.Gln1625Pro (NM_001127510.3, NM_001354895.2); c.4820A>C, p.Gln1607Pro (NM_001127511.3); c.4928A>C, p.Gln1643Pro (NM_001354896.2); c.4904A>C, p.Gln1635Pro (NM_001354897.2); c.4799A>C, p.Gln1600Pro (NM_001354898.2); c.4790A>C, p.Gln1597Pro (NM_001354899.2); c.4751A>C, p.Gln1584Pro (NM_001354900.2); c.4697A>C, p.Gln1566Pro (NM_001354901.2); and 5 more; short protein forms Q1524P, Q1566P, Q1584P, Q1600P, Q1635P, Q1342P, Q1465P, Q1534P.
Identifiers: ClinVar variation 1385191 (VCV001385191.6), dbSNP rs2149926162, ClinGen allele CA16032010.